The following is an entry in ClinVar:

NM_006231.4(POLE):c.6053G>A (p.Ser2018Asn)

Gene: POLE (DNA polymerase epsilon, catalytic subunit; minus strand). Cytogenetic location: 12q24.33.
Variant type: single nucleotide variant.
Coding change: c.6053G>A on transcript NM_006231.4 (MANE Select); coding-DNA position 6053, G replaced by A.
Protein change: p.Ser2018Asn; replaces serine 2018 with asparagine.
Molecular consequence: missense variant.
Genome position (GRCh38, 1-based): chr12:132,632,747, C>T on the plus strand (G>A on the coding strand, the complement: POLE is on the minus strand). VCF-style: chr12-132632747-C-T. GRCh37 (hg19) VCF-style: chr12-133209333-C-T.
Other names: c.6053G>A (NM_006231.2); short protein forms S2018N.
Identifiers: ClinVar variation 656084 (VCV000656084.11), dbSNP rs140344645, ClinGen allele CA246293170.
Genomic context (GRCh38, chr12:132,632,747, plus strand): 5'-TCGGCCTCCTGGGAGAGCTGGCTGGCCCCCCTCCTCCTCACGGGGGTGCTCCCTGGAGCA[C>T]TGCGCCTCAGCCCGTCCTTCATGCAGTGGTACACGGCCACGATGTACGCTGTGGAGAGGC-3'
Protein context (NP_006222.2, residues 2008-2028): YHCMKDGLRR[Ser2018Asn]APGSTPVRRR

ClinVar aggregate classification (germline): Conflicting classifications of pathogenicity. Review status: criteria provided, conflicting classifications (1 of 4 stars). 2 submissions from 2 submitters: Uncertain significance (1); Likely benign (1). Last evaluated 2025-05-06.

Conditions:
Hereditary cancer-predisposing syndrome. Also called: Hereditary neoplastic syndrome; Tumor predisposition; Neoplastic Syndromes, Hereditary; Hereditary Cancer Syndrome. Identifiers: Orphanet 140162, MedGen C0027672, MeSH D009386, MONDO:0015356.

Allele frequency attached by ClinVar (database versions not stated): gnomAD exomes below 0.00001; ESP Exome Variant Server 0.00008.
gnomAD v4.1: 3 of 1,613,110 alleles (0.00019%); highest among the groups gnomAD compares: Non-Finnish European, 0.00017%; no homozygotes.

Submissions (2):

Ambry Genetics
Classification: Likely benign for Hereditary cancer-predisposing syndrome. Last evaluated: 2025-05-06. Review status: criteria provided, single submitter. Criteria: Ambry Variant Classification Scheme 2023. Collection method: clinical testing. Allele origin: germline.

Labcorp Genetics (formerly Invitae), Labcorp
Classification: Uncertain significance. Last evaluated: 2022-10-27. Review status: criteria provided, single submitter. Criteria: Invitae Variant Classification Sherloc (09022015). Collection method: clinical testing. Allele origin: germline.
Comment: This sequence change replaces serine, which is neutral and polar, with asparagine, which is neutral and polar, at codon 2018 of the POLE protein (p.Ser2018Asn). This variant is not present in population databases (gnomAD no frequency). This variant has not been reported in the literature in individuals affected with POLE-related conditions. ClinVar contains an entry for this variant (Variation ID: 656084). Advanced modeling of protein sequence and biophysical properties (such as structural, functional, and spatial information, amino acid conservation, physicochemical variation, residue mobility, and thermodynamic stability) performed at Invitae indicates that this missense variant is not expected to disrupt POLE protein function. In summary, the available evidence is currently insufficient to determine the role of this variant in disease. Therefore, it has been classified as a Variant of Uncertain Significance.